The following is an entry in ClinVar:

NM_003978.5(PSTPIP1):c.667C>T (p.Arg223Trp)

Gene: PSTPIP1 (proline-serine-threonine phosphatase interacting protein 1; plus strand). Cytogenetic location: 15q24.3.
Variant type: single nucleotide variant.
Coding change: c.667C>T on transcript NM_003978.5 (MANE Select); coding-DNA position 667, C replaced by T.
Protein change: p.Arg223Trp; replaces arginine 223 with tryptophan.
Molecular consequence: missense variant. On other transcripts: non-coding transcript variant (1).
Genome position (GRCh38, 1-based): chr15:77,031,204, C>T. VCF-style: chr15-77031204-C-T. GRCh37 (hg19) VCF-style: chr15-77323545-C-T.
Other names: c.667C>T, p.Arg223Trp (NM_001321135.2); c.640C>T, p.Arg214Trp (NM_001321136.2); c.862C>T, p.Arg288Trp (NM_001321137.1); short protein forms R214W, R223W, R288W.
Identifiers: ClinVar variation 887161 (VCV000887161.14), dbSNP rs574957138, ClinGen allele CA7675937.
Genomic context (GRCh38, chr15:77,031,204, plus strand): 5'-CCTCCTCACTGCTCACCTCCCTCCCACTGCCCCCAGGCCTTTCAGCTGCAAGAGTTTGAC[C>T]GGCTGACCATTCTCCGCAACGCCCTGTGGGTGCACAGCAACCAGCTCTCCATGCAGTGTG-3'
Protein context (NP_003969.2, residues 213-233): CEAFQLQEFD[Arg223Trp]LTILRNALWV

ClinVar aggregate classification (germline): Uncertain significance. Review status: criteria provided, multiple submitters, no conflicts (2 of 4 stars). 3 submissions from 3 submitters: Uncertain significance (3). Last evaluated 2025-03-18.

Conditions:
Pyogenic arthritis-pyoderma gangrenosum-acne syndrome (PAPA). Also called: FAMILIAL RECURRENT ARTHRITIS; PAPA SYNDROME. Identifiers: Orphanet 69126, MedGen C1858361, MONDO:0011462, OMIM 604416.
Inborn genetic diseases. Identifiers: MedGen C0950123, MeSH D030342.

Allele frequency attached by ClinVar (database versions not stated): gnomAD 0.00001; 1000 Genomes Project 30x 0.00016; 1000 Genomes Project 0.00020.
gnomAD v4.1: 10 of 1,612,884 alleles (0.00062%); highest among the groups gnomAD compares: East Asian, 0.0022%; no homozygotes.

Submissions (3):

Ambry Genetics
Classification: Uncertain significance for Inborn genetic diseases. Last evaluated: 2025-03-18. Review status: criteria provided, single submitter. Criteria: Ambry Variant Classification Scheme 2023. Collection method: clinical testing. Allele origin: germline.

Labcorp Genetics (formerly Invitae), Labcorp
Classification: Uncertain significance for Pyogenic arthritis-pyoderma gangrenosum-acne syndrome. Last evaluated: 2025-03-13. Review status: criteria provided, single submitter. Criteria: Invitae Variant Classification Sherloc (09022015). Collection method: clinical testing. Allele origin: germline.
Comment: This sequence change replaces arginine, which is basic and polar, with tryptophan, which is neutral and slightly polar, at codon 223 of the PSTPIP1 protein (p.Arg223Trp). This variant is present in population databases (rs574957138, gnomAD 0.006%). This variant has not been reported in the literature in individuals affected with PSTPIP1-related conditions. ClinVar contains an entry for this variant (Variation ID: 887161). Invitae Evidence Modeling of protein sequence and biophysical properties (such as structural, functional, and spatial information, amino acid conservation, physicochemical variation, residue mobility, and thermodynamic stability) indicates that this missense variant is expected to disrupt PSTPIP1 protein function with a positive predictive value of 80%. In summary, the available evidence is currently insufficient to determine the role of this variant in disease. Therefore, it has been classified as a Variant of Uncertain Significance.

Illumina Laboratory Services, Illumina
Classification: Uncertain significance for Pyogenic arthritis-pyoderma gangrenosum-acne syndrome. Last evaluated: 2018-01-12. Review status: criteria provided, single submitter. Criteria: ICSL Variant Classification Criteria 13 December 2019. Collection method: clinical testing. Allele origin: germline.